The following is an entry in ClinVar:

NM_003786.4(ABCC3):c.2788G>A (p.Glu930Lys)

Gene: ABCC3 (ATP binding cassette subfamily C member 3; plus strand). Cytogenetic location: 17q21.33.
Variant type: single nucleotide variant.
Coding change: c.2788G>A on transcript NM_003786.4 (MANE Select); coding-DNA position 2788, G replaced by A.
Protein change: p.Glu930Lys; replaces glutamic acid 930 with lysine.
Molecular consequence: missense variant.
Genome position (GRCh38, 1-based): chr17:50,675,704, G>A. VCF-style: chr17-50675704-G-A. GRCh37 (hg19) VCF-style: chr17-48753065-G-A.
Other names: short protein forms E930K.
Identifiers: ClinVar variation 2610455 (VCV002610455.3), dbSNP rs138376401, ClinGen allele CA8654928.

ClinVar aggregate classification (germline): Uncertain significance (1 of 4 stars; one submission).

Allele frequency attached by ClinVar (database versions not stated): gnomAD 0.00003; TOPMed 0.00003; ExAC 0.00004; ESP Exome Variant Server 0.00008.
gnomAD v4.1: 24 of 1,569,568 alleles (0.0015%); highest among the groups gnomAD compares: Non-Finnish European, 0.0018%; no homozygotes.

Submission:

Ambry Genetics
Classification: Uncertain significance. Last evaluated: 2026-02-16. Review status: criteria provided, single submitter. Criteria: Ambry Variant Classification Scheme 2023. Collection method: clinical testing. Allele origin: germline.
Comment: The c.2788G>A (p.E930K) alteration is located in exon 21 (coding exon 21) of the ABCC3 gene. This alteration results from a G to A substitution at nucleotide position 2788, causing the glutamic acid (E) at amino acid position 930 to be replaced by a lysine (K). Based on data from gnomAD, the A allele has an overall frequency of 0.002% (5/211372) total alleles studied. The highest observed frequency was 0.006% (5/90832) of European (non-Finnish) alleles. Based on insufficient or conflicting evidence, the clinical significance of this alteration remains unclear.